The following is an entry in ClinVar:

ClinVar aggregate classification (germline): Conflicting classifications of pathogenicity. Review status: criteria provided, conflicting classifications (1 of 4 stars). 2 submissions from 1 submitter: Uncertain significance (1); Likely benign (1). Last evaluated 2018-01-13.

Conditions:
Susceptibility to mononeuropathy of the median nerve, mild. Also called: CARPAL TUNNEL SYNDROME, SUSCEPTIBILITY TO. Identifiers: MedGen C3150596, MONDO:0013237, OMIM 613353.
Charcot-Marie-Tooth disease type 4C (CMT4C). Also called: CHARCOT-MARIE-TOOTH DISEASE, DEMYELINATING, TYPE 4C; SH3TC2-Related Hereditary Motor and Sensory Neuropathy; Charcot-Marie-Tooth Neuropathy Type 4C (CMT4C); CHARCOT-MARIE-TOOTH DISEASE, DEMYELINATING, AUTOSOMAL RECESSIVE, TYPE 4C; CMT 4C. Identifiers: Orphanet 99949, MedGen C1866636, MONDO:0011113, OMIM 601596.

Allele frequency attached by ClinVar (database versions not stated): 1000 Genomes Project 30x 0.00141; 1000 Genomes Project 0.00160; gnomAD 0.00160 and 0.00173; TOPMed 0.00192.
gnomAD v4.1: 240 of 152,314 alleles (0.16%); highest among the groups gnomAD compares: African/African-American, 0.53%; no homozygotes.

Submissions (2):

Illumina Laboratory Services, Illumina
Classification: Uncertain significance for Charcot-Marie-Tooth disease type 4C. Last evaluated: 2018-01-13. Review status: criteria provided, single submitter. Criteria: ICSL Variant Classification Criteria 13 December 2019. Collection method: clinical testing. Allele origin: germline.

Illumina Laboratory Services, Illumina
Classification: Likely benign for Susceptibility to mononeuropathy of the median nerve, mild. Last evaluated: 2018-01-13. Review status: criteria provided, single submitter. Criteria: ICSL Variant Classification Criteria 13 December 2019. Collection method: clinical testing. Allele origin: germline.
Comment: This variant was observed in the ICSL laboratory as part of a predisposition screen in an ostensibly healthy population. It had not been previously curated by ICSL or reported in the Human Gene Mutation Database (HGMD: prior to June 1st, 2018), and was therefore a candidate for classification through an automated scoring system. Utilizing variant allele frequency, disease prevalence and penetrance estimates, and inheritance mode, an automated score was calculated to assess if this variant is too frequent to cause the disease. Based on the score and internal cut-off values, a variant classified as likely benign is not then subjected to further curation. The score for this variant resulted in a classification of likely benign for this disease.

NM_024577.4(SH3TC2):c.*7917A>G

Gene: SH3TC2 (SH3 domain and tetratricopeptide repeats 2; minus strand). Cytogenetic location: 5q32.
Variant type: single nucleotide variant.
Coding change: c.*7917A>G on transcript NM_024577.4 (MANE Select); 7917 bases downstream of the stop codon, A replaced by G.
Molecular consequence: 3 prime UTR variant.
Genome position (GRCh38, 1-based): chr5:148,996,794, T>C on the plus strand (A>G on the coding strand, the complement: SH3TC2 is on the minus strand). VCF-style: chr5-148996794-T-C. GRCh37 (hg19) VCF-style: chr5-148376357-T-C.
Identifiers: ClinVar variation 906744 (VCV000906744.4), dbSNP rs546816780, ClinGen allele CA128990064.